The following is an entry in ClinVar:

NM_016247.4(IMPG2):c.2732T>A (p.Met911Lys)

Gene: IMPG2 (interphotoreceptor matrix proteoglycan 2; minus strand). Cytogenetic location: 3q12.3.
Variant type: single nucleotide variant.
Coding change: c.2732T>A on transcript NM_016247.4 (MANE Select); coding-DNA position 2732, T replaced by A.
Protein change: p.Met911Lys; replaces methionine 911 with lysine.
Molecular consequence: missense variant.
Genome position (GRCh38, 1-based): chr3:101,243,599, A>T on the plus strand (T>A on the coding strand, the complement: IMPG2 is on the minus strand). VCF-style: chr3-101243599-A-T. GRCh37 (hg19) VCF-style: chr3-100962443-A-T.
Other names: short protein forms M911K.
Identifiers: ClinVar variation 2118811 (VCV002118811.4), dbSNP rs2508942090, ClinGen allele CA353855779.

ClinVar aggregate classification (germline): Uncertain significance (1 of 4 stars; one submission).

Allele frequency attached by ClinVar (database versions not stated): gnomAD exomes below 0.00001.
gnomAD v4.1: 1 of 1,613,912 alleles (0.000062%); highest among the groups gnomAD compares: Non-Finnish European, 0.000085%; no homozygotes.

Submission:

Labcorp Genetics (formerly Invitae), Labcorp
Classification: Uncertain significance. Last evaluated: 2024-10-29. Review status: criteria provided, single submitter. Criteria: Invitae Variant Classification Sherloc (09022015). Collection method: clinical testing. Allele origin: germline.
Comment: This sequence change replaces methionine, which is neutral and non-polar, with lysine, which is basic and polar, at codon 911 of the IMPG2 protein (p.Met911Lys). This variant is not present in population databases (gnomAD no frequency). This variant has not been reported in the literature in individuals affected with IMPG2-related conditions. ClinVar contains an entry for this variant (Variation ID: 2118811). Invitae Evidence Modeling of protein sequence and biophysical properties (such as structural, functional, and spatial information, amino acid conservation, physicochemical variation, residue mobility, and thermodynamic stability) indicates that this missense variant is not expected to disrupt IMPG2 protein function with a negative predictive value of 80%. In summary, the available evidence is currently insufficient to determine the role of this variant in disease. Therefore, it has been classified as a Variant of Uncertain Significance.